The following is an entry in ClinVar:

ClinVar aggregate classification (germline): Likely benign. Review status: criteria provided, multiple submitters, no conflicts (2 of 4 stars). 2 submissions from 2 submitters: Likely benign (2). Last evaluated 2026-01-01.

Allele frequency attached by ClinVar (database versions not stated): TOPMed below 0.00001.
gnomAD v4.1: 9 of 1,608,456 alleles (0.00056%); highest among the groups gnomAD compares: Admixed American, 0.015%; no homozygotes.

Submissions (2):

CeGaT Center for Human Genetics Tuebingen
Classification: Likely benign. Last evaluated: 2026-01-01. Review status: criteria provided, single submitter. Criteria: CeGaT Center For Human Genetics Tuebingen Variant Classification Criteria Version 2. Collection method: clinical testing. Allele origin: germline. Affected: yes. Observed: 1 variant allele.
Comment: KMT2B: BP4, BP7

Labcorp Genetics (formerly Invitae), Labcorp
Classification: Likely benign. Last evaluated: 2024-11-21. Review status: criteria provided, single submitter. Criteria: Invitae Variant Classification Sherloc (09022015). Collection method: clinical testing. Allele origin: germline.

NM_014727.3(KMT2B):c.4293C>T (p.Leu1431=)

Gene: KMT2B (lysine methyltransferase 2B; plus strand). Cytogenetic location: 19q13.12.
Variant type: single nucleotide variant.
Coding change: c.4293C>T on transcript NM_014727.3 (MANE Select); coding-DNA position 4293, C replaced by T.
Protein change: p.Leu1431=; no amino-acid change (leucine 1431 retained).
Molecular consequence: synonymous variant.
Genome position (GRCh38, 1-based): chr19:35,727,613, C>T. VCF-style: chr19-35727613-C-T. GRCh37 (hg19) VCF-style: chr19-36218514-C-T.
Identifiers: ClinVar variation 726121 (VCV000726121.10), dbSNP rs753088021, ClinGen allele CA9385024.
Genomic context (GRCh38, chr19:35,727,613, plus strand): 5'-GGGCCTGCGCCAGGTGCTCCAGGGCCTGCTGAGCTCCAAGGTGGTGGGCCCACTGCTGCT[C>T]TGCACCCAGGTCTGGAGGGCCCTGGAGGCAGGATGGGCCGGGGCTAGGCCCACCCCCAGC-3'
Protein context (NP_055542.1, residues 1421-1441): LSSKVVGPLL[Leu1431=]CTQCGPDGKQ